The following is an entry in ClinVar:

ClinVar aggregate classification (germline): Pathogenic/Likely pathogenic. Review status: criteria provided, multiple submitters, no conflicts (2 of 4 stars). 2 submissions from 2 submitters: Pathogenic (1); Likely pathogenic (1). Last evaluated 2020-10-24.

Conditions:
Granulomatous disease, chronic, X-linked. Also called: GRANULOMATOUS DISEASE, CHRONIC, X-LINKED, SOMATIC MOSAIC; CYTOCHROME b-NEGATIVE GRANULOMATOUS DISEASE, CHRONIC, X-LINKED. Identifiers: Orphanet 379, MedGen C1844376, MONDO:0010600, OMIM 306400.

Submissions (2):

Labcorp Genetics (formerly Invitae), Labcorp
Classification: Pathogenic for Granulomatous disease, chronic, X-linked. Last evaluated: 2020-10-24. Review status: criteria provided, single submitter. Criteria: Invitae Variant Classification Sherloc (09022015). Collection method: clinical testing. Allele origin: germline.
Comment: This sequence change creates a premature translational stop signal (p.Val413Glyfs*18) in the CYBB gene. It is expected to result in an absent or disrupted protein product. This variant is not present in population databases (ExAC no frequency). This variant has been observed in individual(s) with chronic granulomatous disease (PMID: 9585602, 20729109). This variant is also known as 1246 insertion G in the literature. ClinVar contains an entry for this variant (Variation ID: 623130). Loss-of-function variants in CYBB are known to be pathogenic (PMID: 9585602, 20729109). For these reasons, this variant has been classified as Pathogenic.

Molecular Diagnostics Laboratory, M Health Fairview: University of Minnesota
Classification: Likely pathogenic for Granulomatous disease, chronic, X-linked. Last evaluated: 2017-06-27. Review status: criteria provided, single submitter. Criteria: ACMG Guidelines, 2015. Collection method: clinical testing. Allele origin: germline. Affected: yes. Observed: 1 variant allele.

Literature cited by the submitters: PubMed 9585602 (cited by Labcorp Genetics (formerly Invitae), Labcorp and Molecular Diagnostics Laboratory, M Health Fairview: University of Minnesota); PubMed 20729109 (cited by Labcorp Genetics (formerly Invitae), Labcorp); PubMed 14697745 (cited by Molecular Diagnostics Laboratory, M Health Fairview: University of Minnesota).

NM_000397.4(CYBB):c.1237dup (p.Val413fs)

Gene: CYBB (cytochrome b-245 beta chain; plus strand). Cytogenetic location: Xp11.4.
Variant type: Duplication.
Coding change: c.1237dup on transcript NM_000397.4 (MANE Select); coding-DNA position 1237, one base duplicated (G; older notation c.1237dupG).
Protein change: p.Val413fs; shifts the reading frame from valine 413.
Molecular consequence: frameshift variant.
Genome position (GRCh38, 1-based): chrX:37,805,091, G duplicated; the last of 4 consecutive G bases (chrX:37,805,088-37,805,091); duplicating any one gives the same sequence. VCF-style (leftmost placement, unchanged base first): chrX-37805087-T-TG. GRCh37 (hg19) VCF-style: chrX-37664340-T-TG.
Other names: short protein forms V413fs.
Identifiers: ClinVar variation 623130 (VCV000623130.10), dbSNP rs1569480031, ClinGen allele CA913190353.